The following is an entry in ClinVar:

NM_000070.3(CAPN3):c.2014G>T (p.Glu672Ter)

Gene: CAPN3 (calpain 3; plus strand). Cytogenetic location: 15q15.1.
Variant type: single nucleotide variant.
Coding change: c.2014G>T on transcript NM_000070.3 (MANE Select); coding-DNA position 2014, G replaced by T.
Protein change: p.Glu672Ter; replaces glutamic acid 672 with a stop codon.
Molecular consequence: nonsense.
Genome position (GRCh38, 1-based): chr15:42,409,808, G>T. VCF-style: chr15-42409808-G-T. GRCh37 (hg19) VCF-style: chr15-42702006-G-T.
Other names: c.2014G>T (NM_000070.2); c.1996G>T, p.Glu666Ter (NM_024344.2); c.1738G>T, p.Glu580Ter (NM_173087.2); c.478G>T, p.Glu160Ter (NM_173088.2); c.19G>T, p.Glu7Ter (NM_173089.2, NM_173090.2); c.*1112G>T (NM_212464.2); c.*1689G>T (NM_212467.2); short protein forms E160*, E580*, E666*, E672*, E7*.
Identifiers: ClinVar variation 2438803 (VCV002438803.4), dbSNP rs2054148805, ClinGen allele CA392001368.

ClinVar aggregate classification (germline): Likely pathogenic. Review status: criteria provided, multiple submitters, no conflicts (2 of 4 stars). 2 submissions from 2 submitters: Likely pathogenic (2). Last evaluated 2025-11-10.

Conditions:
Autosomal recessive limb-girdle muscular dystrophy type 2A (LGMDR1). Also called: MUSCULAR DYSTROPHY, PELVOFEMORAL; Limb-girdle muscular dystrophy, type 2A; Calpainopathy; LEYDEN-MOEBIUS MUSCULAR DYSTROPHY; Muscular dystrophy, limb-girdle, type 2A, Amish. Identifiers: Orphanet 267, MedGen C1869123, MONDO:0009675, OMIM 253600. Disease mechanism: loss of function.

Submissions (2):

Natera, Inc.
Classification: Likely pathogenic for Limb-girdle muscular dystrophy type 2A. Last evaluated: 2025-11-10. Review status: criteria provided, single submitter. Criteria: Natera Variant Classification Schema (03/2026). Collection method: clinical testing. Allele origin: germline.
Comment: The c.2014G>T variant in CAPN3 is a nonsense variant predicted to introduce a stop codon at amino acid 672. This variant is expected to result in nonsense mediated decay, truncation, or a dysfunctional protein product. This variant is rare in the general population with a frequency below the threshold expected for the associated phenotype(s). Given the available evidence, this variant is classified as Likely Pathogenic.

Revvity Omics, Revvity
Classification: Likely pathogenic. Last evaluated: 2022-03-30. Review status: criteria provided, single submitter. Criteria: ACMG Guidelines, 2015. Collection method: clinical testing. Allele origin: germline.